The following is an entry in ClinVar:

ClinVar aggregate classification (germline): Uncertain significance (1 of 4 stars; one submission).

Submission:

Labcorp Genetics (formerly Invitae), Labcorp
Classification: Uncertain significance. Last evaluated: 2021-12-22. Review status: criteria provided, single submitter. Criteria: Invitae Variant Classification Sherloc (09022015). Collection method: clinical testing. Allele origin: germline.
Comment: This sequence change replaces phenylalanine, which is neutral and non-polar, with valine, which is neutral and non-polar, at codon 1805 of the C2CD3 protein (p.Phe1805Val). This variant is not present in population databases (gnomAD no frequency). This variant has not been reported in the literature in individuals affected with C2CD3-related conditions. Algorithms developed to predict the effect of missense changes on protein structure and function are either unavailable or do not agree on the potential impact of this missense change (SIFT: "Deleterious"; PolyPhen-2: "Benign"; Align-GVGD: "Class C0"). Algorithms developed to predict the effect of sequence changes on RNA splicing suggest that this variant may create or strengthen a splice site. In summary, the available evidence is currently insufficient to determine the role of this variant in disease. Therefore, it has been classified as a Variant of Uncertain Significance.

NM_001286577.2(C2CD3):c.5413T>G (p.Phe1805Val)

Gene: C2CD3 (C2 domain containing 3 centriole elongation regulator; minus strand). Cytogenetic location: 11q13.4.
Variant type: single nucleotide variant.
Coding change: c.5413T>G on transcript NM_001286577.2 (MANE Select); coding-DNA position 5413, T replaced by G.
Protein change: p.Phe1805Val; replaces phenylalanine 1805 with valine.
Molecular consequence: missense variant.
Genome position (GRCh38, 1-based): chr11:74,048,287, A>C on the plus strand (T>G on the coding strand, the complement: C2CD3 is on the minus strand). VCF-style: chr11-74048287-A-C. GRCh37 (hg19) VCF-style: chr11-73759332-A-C.
Other names: c.5413T>G, p.Phe1805Val (NM_015531.6); short protein forms F1805V.
Identifiers: ClinVar variation 2054043 (VCV002054043.4), dbSNP rs2496253546, ClinGen allele CA381826937.